The following is an entry in ClinVar:

NM_000077.5(CDKN2A):c.458-26G>A

Gene: CDKN2A (cyclin dependent kinase inhibitor 2A; minus strand). Cytogenetic location: 9p21.3.
Variant type: single nucleotide variant.
Coding change: c.458-26G>A on transcript NM_000077.5 (MANE Select); 26 bases into the intron before coding-DNA position 458, G replaced by A.
Molecular consequence: intron variant.
Genome position (GRCh38, 1-based): chr9:21,968,268, C>T on the plus strand (G>A on the coding strand, the complement: CDKN2A is on the minus strand). VCF-style: chr9-21968268-C-T. GRCh37 (hg19) VCF-style: chr9-21968267-C-T.
Other names: c.305-26G>A (NM_001363763.2); c.*102-26G>A (NM_058195.4); c.*151-26G>A (NM_001195132.2); c.*381-26G>A (NM_058197.5).
Identifiers: ClinVar variation 4294154 (VCV004294154.1).

ClinVar aggregate classification (germline): Benign (1 of 4 stars; one submission).

Conditions:
Melanoma-pancreatic cancer syndrome. Identifiers: Orphanet 404560, MedGen C1838547, MONDO:0011713, OMIM 606719. Disease mechanism: loss of function.

Submission:

Myriad Genetics, Inc.
Classification: Benign for Melanoma-pancreatic cancer syndrome. Last evaluated: 2025-08-18. Review status: criteria provided, single submitter. Criteria: Myriad Autosomal Dominant, Autosomal Recessive and X-Linked Classification Criteria (2023). Collection method: clinical testing. Allele origin: unknown.
Comment: This variant is considered benign. This variant is intronic and is not expected to impact mRNA splicing.